The following is an entry in ClinVar:

NM_024596.5(MCPH1):c.1871G>A (p.Cys624Tyr)

Gene: MCPH1 (microcephalin 1; plus strand). Cytogenetic location: 8p23.1.
Variant type: single nucleotide variant.
Coding change: c.1871G>A on transcript NM_024596.5 (MANE Select); coding-DNA position 1871, G replaced by A.
Protein change: p.Cys624Tyr; replaces cysteine 624 with tyrosine.
Molecular consequence: missense variant.
Genome position (GRCh38, 1-based): chr8:6,455,188, G>A. VCF-style: chr8-6455188-G-A. GRCh37 (hg19) VCF-style: chr8-6312709-G-A.
Other names: c.1871G>A, p.Cys624Tyr (NM_001322042.2, NM_001363979.1, NM_001363980.2); short protein forms C624Y.
Identifiers: ClinVar variation 1519213 (VCV001519213.3), dbSNP rs1290757964, ClinGen allele CA370223389.
Genomic context (GRCh38, chr8:6,455,188, plus strand): 5'-CCCCTTGGGTTTTAGGTGTTAAAAATAGACCAACAAGGCATGATGTTTTAGATGACTCAT[G>A]TGACGGCTTTAAGGACCTCATCAAACCTCATGAGGAATTGAAGAAAAGTGGGAGAGGCAA-3'
Protein context (NP_078872.3, residues 614-634): PTRHDVLDDS[Cys624Tyr]DGFKDLIKPH

ClinVar aggregate classification (germline): Uncertain significance (1 of 4 stars; one submission).

Allele frequency attached by ClinVar (database versions not stated): gnomAD exomes below 0.00001.
gnomAD v4.1: 2 of 1,614,076 alleles (0.00012%); highest among the groups gnomAD compares: East Asian, 0.0022%; no homozygotes.

Submission:

Labcorp Genetics (formerly Invitae), Labcorp
Classification: Uncertain significance. Last evaluated: 2021-09-15. Review status: criteria provided, single submitter. Criteria: Invitae Variant Classification Sherloc (09022015). Collection method: clinical testing. Allele origin: germline.
Comment: This sequence change replaces cysteine with tyrosine at codon 624 of the MCPH1 protein (p.Cys624Tyr). The cysteine residue is weakly conserved and there is a large physicochemical difference between cysteine and tyrosine. This variant is not present in population databases (ExAC no frequency). This variant has not been reported in the literature in individuals affected with MCPH1-related conditions. Algorithms developed to predict the effect of missense changes on protein structure and function output the following: SIFT: "Not Available"; PolyPhen-2: "Benign"; Align-GVGD: "Not Available". The tyrosine amino acid residue is found in multiple mammalian species, which suggests that this missense change does not adversely affect protein function. In summary, the available evidence is currently insufficient to determine the role of this variant in disease. Therefore, it has been classified as a Variant of Uncertain Significance.